The following is an entry in ClinVar:

ClinVar aggregate classification (germline): Uncertain significance (1 of 4 stars; one submission).

Submission:

Labcorp Genetics (formerly Invitae), Labcorp
Classification: Uncertain significance. Last evaluated: 2022-03-06. Review status: criteria provided, single submitter. Criteria: Invitae Variant Classification Sherloc (09022015). Collection method: clinical testing. Allele origin: germline.
Comment: This sequence change replaces leucine, which is neutral and non-polar, with proline, which is neutral and non-polar, at codon 141 of the LCT protein (p.Leu141Pro). This variant is not present in population databases (gnomAD no frequency). This variant has not been reported in the literature in individuals affected with LCT-related conditions. Algorithms developed to predict the effect of missense changes on protein structure and function are either unavailable or do not agree on the potential impact of this missense change (SIFT: "Not Available"; PolyPhen-2: "Benign"; Align-GVGD: "Not Available"). In summary, the available evidence is currently insufficient to determine the role of this variant in disease. Therefore, it has been classified as a Variant of Uncertain Significance.

NM_002299.4(LCT):c.422T>C (p.Leu141Pro)

Gene: LCT (lactase; minus strand). Cytogenetic location: 2q21.3.
Variant type: single nucleotide variant.
Coding change: c.422T>C on transcript NM_002299.4 (MANE Select); coding-DNA position 422, T replaced by C.
Protein change: p.Leu141Pro; replaces leucine 141 with proline.
Molecular consequence: missense variant.
Genome position (GRCh38, 1-based): chr2:135,836,748, A>G on the plus strand (T>C on the coding strand, the complement: LCT is on the minus strand). VCF-style: chr2-135836748-A-G. GRCh37 (hg19) VCF-style: chr2-136594318-A-G.
Other names: short protein forms L141P.
Identifiers: ClinVar variation 2107452 (VCV002107452.4), dbSNP rs2467260602, ClinGen allele CA348609366.